The following is an entry in ClinVar:

NM_000064.4(C3):c.3391-8T>C

Gene: C3 (complement C3; minus strand). Cytogenetic location: 19p13.3.
Variant type: single nucleotide variant.
Coding change: c.3391-8T>C on transcript NM_000064.4 (MANE Select); 8 bases into the intron before coding-DNA position 3391, T replaced by C.
Molecular consequence: intron variant.
Genome position (GRCh38, 1-based): chr19:6,690,735, A>G on the plus strand (T>C on the coding strand, the complement: C3 is on the minus strand). VCF-style: chr19-6690735-A-G. GRCh37 (hg19) VCF-style: chr19-6690746-A-G.
Other names: p.?.
Identifiers: ClinVar variation 892735 (VCV000892735.17), dbSNP rs11569508, ClinGen allele CA9128745.

ClinVar aggregate classification (germline): Benign/Likely benign. Review status: criteria provided, multiple submitters, no conflicts (2 of 4 stars). 9 submissions from 7 submitters: Benign (8); Likely benign (1). Last evaluated 2026-02-04.

Conditions:
Atypical hemolytic-uremic syndrome with C3 anomaly. Also called: AHUS, SUSCEPTIBILITY TO, 5. Identifiers: Orphanet 2134, MedGen C2752037, MONDO:0013043, OMIM 612925.
Age related macular degeneration 9. Identifiers: MedGen C1969651, MONDO:0012659, OMIM 611378.
Complement component 3 deficiency. Identifiers: Orphanet 280133, MedGen C3151071, MONDO:0013417, OMIM 613779.

Allele frequency attached by ClinVar (database versions not stated): 1000 Genomes Project 30x 0.07792; 1000 Genomes Project 0.08007; ESP Exome Variant Server 0.09496; TOPMed 0.09910; gnomAD 0.10489 and 0.10606; gnomAD exomes 0.11229 and 0.12124; ExAC 0.11408.
gnomAD v4.1: 192,696 of 1,610,746 alleles (12%); highest among the groups gnomAD compares: Non-Finnish European, 13%; 12,361 homozygotes.

Submissions (9):

Labcorp Genetics (formerly Invitae), Labcorp
Classification: Benign. Last evaluated: 2026-02-04. Review status: criteria provided, single submitter. Criteria: Invitae Variant Classification Sherloc (09022015). Collection method: clinical testing. Allele origin: germline.

Women's Health and Genetics/Laboratory Corporation of America, LabCorp
Classification: Benign. Last evaluated: 2026-01-21. Review status: criteria provided, single submitter. Criteria: LabCorp Variant Classification Summary - May 2015. Collection method: clinical testing. Allele origin: germline.

Blueprint Genetics
Classification: Likely benign. Last evaluated: 2024-11-28. Review status: criteria provided, single submitter. Criteria: ACMG Guidelines, 2015. Collection method: clinical testing. Allele origin: germline.

Mayo Clinic Laboratories, Mayo Clinic
Classification: Benign. Last evaluated: 2022-03-10. Review status: criteria provided, single submitter. Criteria: ACMG Guidelines, 2015. Collection method: clinical testing. Allele origin: germline. Observed: 582 variant alleles.

GeneDx
Classification: Benign. Last evaluated: 2021-06-09. Review status: criteria provided, single submitter. Criteria: GeneDx Variant Classification Process June 2021. Collection method: clinical testing. Allele origin: germline. Affected: yes.

Illumina Laboratory Services, Illumina
Classification: Benign for Atypical hemolytic-uremic syndrome with C3 anomaly. Last evaluated: 2018-01-12. Review status: criteria provided, single submitter. Criteria: ICSL Variant Classification Criteria 13 December 2019. Collection method: clinical testing. Allele origin: germline.
Comment: This variant was observed in the ICSL laboratory as part of a predisposition screen in an ostensibly healthy population. It had not been previously curated by ICSL or reported in the Human Gene Mutation Database (HGMD: prior to June 1st, 2018), and was therefore a candidate for classification through an automated scoring system. Utilizing variant allele frequency, disease prevalence and penetrance estimates, and inheritance mode, an automated score was calculated to assess if this variant is too frequent to cause the disease. Based on the score and internal cut-off values, a variant classified as benign is not then subjected to further curation. The score for this variant resulted in a classification of benign for this disease.

Illumina Laboratory Services, Illumina
Classification: Benign for Age related macular degeneration 9. Last evaluated: 2018-01-12. Review status: criteria provided, single submitter. Criteria: ICSL Variant Classification Criteria 13 December 2019. Collection method: clinical testing. Allele origin: germline.
Comment: the same text as in the submission from Illumina Laboratory Services, Illumina above.

Illumina Laboratory Services, Illumina
Classification: Benign for Complement component 3 deficiency. Last evaluated: 2018-01-12. Review status: criteria provided, single submitter. Criteria: ICSL Variant Classification Criteria 13 December 2019. Collection method: clinical testing. Allele origin: germline.
Comment: the same text as in the submission from Illumina Laboratory Services, Illumina above.

Breakthrough Genomics
Classification: Benign. Review status: criteria provided, single submitter. Criteria: ACMG Guidelines, 2015. Collection method: not provided. Allele origin: germline. Inheritance: Autosomal recessive inheritance. Affected: yes.